The following is an entry in ClinVar:

NM_006994.5(BTN3A3):c.513G>A (p.Trp171Ter)

Gene: BTN3A3 (butyrophilin subfamily 3 member A3; plus strand). Cytogenetic location: 6p22.2.
Variant type: single nucleotide variant.
Coding change: c.513G>A on transcript NM_006994.5 (MANE Select); coding-DNA position 513, G replaced by A.
Protein change: p.Trp171Ter; replaces tryptophan 171 with a stop codon.
Molecular consequence: nonsense. On other transcripts: intron variant (1).
Genome position (GRCh38, 1-based): chr6:26,445,783, G>A. VCF-style: chr6-26445783-G-A. GRCh37 (hg19) VCF-style: chr6-26446011-G-A.
Other names: c.387G>A, p.Trp129Ter (NM_197974.3); c.307+1479G>A (NM_001242803.2); short protein forms W129*, W171*.
Identifiers: ClinVar variation 3770467 (VCV003770467.13).

ClinVar aggregate classification (germline): Likely benign (1 of 4 stars; one submission).

Submission:

CeGaT Center for Human Genetics Tuebingen
Classification: Likely benign. Last evaluated: 2025-02-01. Review status: criteria provided, single submitter. Criteria: CeGaT Center For Human Genetics Tuebingen Variant Classification Criteria Version 2. Collection method: clinical testing. Allele origin: germline. Affected: yes. Observed: 1 variant allele.
Comment: BTN3A3: BS2